The following is an entry in ClinVar:

ClinVar aggregate classification (germline): Uncertain significance (1 of 4 stars; one submission).

Conditions:
TMPRSS3-related disorder. Also called: TMPRSS3-related condition.

gnomAD v4.1: 2 of 1,614,030 alleles (0.00012%); highest among the groups gnomAD compares: Admixed American, 0.0017%; no homozygotes.

Submission:

PreventionGenetics, part of Exact Sciences
Classification: Uncertain significance for TMPRSS3-related condition. Last evaluated: 2025-02-20. Review status: criteria provided, single submitter. Criteria: ACMG Guidelines, 2015. Collection method: clinical testing. Allele origin: germline.
Comment: The TMPRSS3 c.1078G>A variant is predicted to result in the amino acid substitution p.Ala360Thr. To our knowledge, this variant has not been reported in the literature. This variant is reported in 0.0029% of alleles in individuals of Latino descent in gnomAD. At this time, the clinical significance of this variant is uncertain due to the absence of conclusive functional and genetic evidence.

NM_001256317.3(TMPRSS3):c.1075G>A (p.Ala359Thr)

Gene: TMPRSS3 (transmembrane serine protease 3; minus strand). Cytogenetic location: 21q22.3.
Variant type: single nucleotide variant.
Coding change: c.1075G>A on transcript NM_001256317.3 (MANE Select); coding-DNA position 1075, G replaced by A.
Protein change: p.Ala359Thr; replaces alanine 359 with threonine.
Molecular consequence: missense variant.
Genome position (GRCh38, 1-based): chr21:42,376,657, C>T on the plus strand (G>A on the coding strand, the complement: TMPRSS3 is on the minus strand). VCF-style: chr21-42376657-C-T. GRCh37 (hg19) VCF-style: chr21-43796766-C-T.
Other names: c.1078G>A, p.Ala360Thr (NM_024022.4); c.697G>A, p.Ala233Thr (NM_032404.3); short protein forms A233T, A359T, A360T.
Identifiers: ClinVar variation 4984610 (VCV004984610.1).